The following is an entry in ClinVar:

ClinVar aggregate classification (germline): Uncertain significance. Review status: criteria provided, multiple submitters, no conflicts (2 of 4 stars). 2 submissions from 2 submitters: Uncertain significance (2). Last evaluated 2024-07-23.

Conditions:
Inborn genetic diseases. Identifiers: MedGen C0950123, MeSH D030342.
Developmental and epileptic encephalopathy, 30 (DEE30). Also called: Epileptic encephalopathy, early infantile, 30. Identifiers: MedGen C4225360, MONDO:0014595, OMIM 616341.

Allele frequency attached by ClinVar (database versions not stated): gnomAD 0.00002; ExAC 0.00003.

Submissions (2):

Labcorp Genetics (formerly Invitae), Labcorp
Classification: Uncertain significance for Developmental and epileptic encephalopathy, 30. Last evaluated: 2024-07-23. Review status: criteria provided, single submitter. Criteria: Invitae Variant Classification Sherloc (09022015). Collection method: clinical testing. Allele origin: germline.
Comment: This sequence change replaces arginine, which is basic and polar, with tryptophan, which is neutral and slightly polar, at codon 619 of the SIK1 protein (p.Arg619Trp). The frequency data for this variant in the population databases is considered unreliable, as metrics indicate poor data quality at this position in the gnomAD database. This variant has not been reported in the literature in individuals affected with SIK1-related conditions. ClinVar contains an entry for this variant (Variation ID: 1781393). Advanced modeling of protein sequence and biophysical properties (such as structural, functional, and spatial information, amino acid conservation, physicochemical variation, residue mobility, and thermodynamic stability) performed at Invitae indicates that this missense variant is not expected to disrupt SIK1 protein function with a negative predictive value of 95%. In summary, the available evidence is currently insufficient to determine the role of this variant in disease. Therefore, it has been classified as a Variant of Uncertain Significance.

Ambry Genetics
Classification: Uncertain significance for Inborn genetic diseases. Last evaluated: 2017-10-09. Review status: criteria provided, single submitter. Criteria: Ambry Variant Classification Scheme 2023. Collection method: clinical testing. Allele origin: germline.
Comment: The p.R619W variant (also known as c.1855C>T), located in coding exon 12 of the SIK1 gene, results from a C to T substitution at nucleotide position 1855. The arginine at codon 619 is replaced by tryptophan, an amino acid with dissimilar properties. This amino acid position is highly conserved in available vertebrate species. In addition, the in silico prediction for this alteration is inconclusive. Since supporting evidence is limited at this time, the clinical significance of this alteration remains unclear.

NM_173354.5(SIK1):c.1855C>T (p.Arg619Trp)

Gene: SIK1 (salt inducible kinase 1; minus strand). Cytogenetic location: 21q22.3.
Variant type: single nucleotide variant.
Coding change: c.1855C>T on transcript NM_173354.5 (MANE Select); coding-DNA position 1855, C replaced by T.
Protein change: p.Arg619Trp; replaces arginine 619 with tryptophan.
Molecular consequence: missense variant.
Genome position (GRCh38, 1-based): chr21:43,417,664, G>A on the plus strand (C>T on the coding strand, the complement: SIK1 is on the minus strand). VCF-style: chr21-43417664-G-A. GRCh37 (hg19) VCF-style: chr21-44837544-G-A.
Other names: short protein forms R619W.
Identifiers: ClinVar variation 1781393 (VCV001781393.7), dbSNP rs753876981, ClinGen allele CA321324925.
Genomic context (GRCh38, chr21:43,417,664, plus strand): 5'-CGTGCAGGCCTGGGCTCTGTGCAGGGGCGTGGAAGGGGCTCAGGCCGCCCCTGCTGGCCC[G>A]GCTGGCGGGGGCCTGGCACACCTGGCGAGCCAGCCCCTTGATTTTGTTCAGTCCCAGAAA-3'
Protein context (NP_775490.2, residues 609-629): ARQVCQAPAS[Arg619Trp]ASRGGLSPFH